The following is an entry in ClinVar:

NM_001273.5(CHD4):c.1890C>G (p.His630Gln)

Gene: CHD4 (chromodomain helicase DNA binding protein 4; minus strand). Cytogenetic location: 12p13.31.
Variant type: single nucleotide variant.
Coding change: c.1890C>G on transcript NM_001273.5 (MANE Select); coding-DNA position 1890, C replaced by G.
Protein change: p.His630Gln; replaces histidine 630 with glutamine.
Molecular consequence: missense variant.
Genome position (GRCh38, 1-based): chr12:6,597,896, G>C on the plus strand (C>G on the coding strand, the complement: CHD4 is on the minus strand). VCF-style: chr12-6597896-G-C. GRCh37 (hg19) VCF-style: chr12-6707062-G-C.
Other names: c.1869C>G, p.His623Gln (NM_001297553.2); c.1851C>G, p.His617Gln (NM_001363606.2); short protein forms H617Q, H623Q, H630Q.
Identifiers: ClinVar variation 4882746 (VCV004882746.2).
Genomic context (GRCh38, chr12:6,597,896, plus strand): 5'-TCTCTTTAGCAGGACTCTCCCACGGAGACTGCCCGTCTCCCGTGTGCTCAGCTGGTACCT[G>C]TGGTTGAGGATTCGGTGGATCATCATCCACTCGGGTTTTATCCCATAGCGATAGAAGCGT-3'
Protein context (NP_001264.2, residues 620-640): EWMMIHRILN[His630Gln]SVDKKGHVHY

ClinVar aggregate classification (germline): Uncertain significance (1 of 4 stars; one submission).

Conditions:
Sifrim-Hitz-Weiss syndrome (SIHIWES). Also called: SIFRIM-HITZ-WEISS MULTIPLE CONGENITAL ANOMALIES-MENTAL RETARDATION SYNDROME; CHD4 Neurodevelopmental Disorder. Identifiers: Orphanet 653712, MedGen C4310688, MONDO:0014946, OMIM 617159.

Submission:

Dasa
Classification: Uncertain significance for Sifrim-Hitz-Weiss syndrome. Last evaluated: 2025-09-19. Review status: criteria provided, single submitter. Criteria: DASA Assertion Criteria. Collection method: clinical testing. Allele origin: germline.
Comment: NM_001273.5(CHD4):c.1890C>G (p.His630Gln) is a missense variant that results in the substitution of histidine with glutamine. This variant is absent from population databases. The currently available literature and clinical evidence are not sufficient to establish a definitive association between this variant and the reported condition. Therefore, this variant is classified as a variant of uncertain significance.